The following is an entry in ClinVar:

ClinVar aggregate classification (germline): Likely pathogenic (1 of 4 stars; one submission).

Conditions:
Autosomal dominant nonsyndromic hearing loss 36. Identifiers: Orphanet 90635, MedGen C1847626, MONDO:0011708, OMIM 606705.
Autosomal recessive nonsyndromic hearing loss 7. Also called: DEAFNESS, AUTOSOMAL RECESSIVE 11. Identifiers: Orphanet 90636, MedGen C1832978, MONDO:0010967, OMIM 600974.

Submission:

Juno Genomics, Hangzhou Juno Genomics, Inc
Classification: Likely pathogenic for Autosomal dominant nonsyndromic hearing loss 36; Autosomal recessive nonsyndromic hearing loss 7. Review status: criteria provided, single submitter. Criteria: ACMG Guidelines, 2015. Collection method: clinical testing. Allele origin: germline.
Comment: Null variant in a gene where loss of function (LOF) is a known mechanism of disease.;Absent from controls (or at extremely low frequency if recessive) in Genome Aggregation Database.

NM_138691.3(TMC1):c.2090C>G (p.Ser697Ter)

Gene: TMC1 (transmembrane channel like 1; plus strand). Cytogenetic location: 9q21.13.
Variant type: single nucleotide variant.
Coding change: c.2090C>G on transcript NM_138691.3 (MANE Select); coding-DNA position 2090, C replaced by G.
Protein change: p.Ser697Ter; replaces serine 697 with a stop codon.
Molecular consequence: nonsense.
Genome position (GRCh38, 1-based): chr9:72,826,955, C>G. VCF-style: chr9-72826955-C-G. GRCh37 (hg19) VCF-style: chr9-75441871-C-G.
Other names: short protein forms S697*.
Identifiers: ClinVar variation 5007464 (VCV005007464.2).